The following is an entry in ClinVar:

ClinVar aggregate classification (germline): Pathogenic/Likely pathogenic. Review status: criteria provided, multiple submitters, no conflicts (2 of 4 stars). 8 submissions from 8 submitters: Pathogenic (5); Likely pathogenic (2). 1 of the submissions does not count toward it. Last evaluated 2026-01-14.

Conditions:
ABCC8-related disorder.
Hyperinsulinemic hypoglycemia, familial, 1 (HHF1). Also called: Persistent hyperinsulinemic hypoglycemia of infancy; Persistent Hyperinsulinemia Hypoglycemia of Infancy; HYPERINSULINISM, FAMILIAL, WITH PANCREATIC NESIDIOBLASTOSIS; HYPOGLYCEMIA, HYPERINSULINEMIC, OF INFANCY; NESIDIOBLASTOSIS OF PANCREAS. Identifiers: Orphanet 276575, Orphanet 276598, MedGen C2931832, MONDO:0009734, OMIM 256450.
Familial hyperinsulinism. Also called: Congenital hyperinsulinism. Identifiers: Orphanet 276525, MedGen C3888018, MONDO:0017182. Disease mechanism: loss of function.
Type 2 diabetes mellitus. Also called: Type II diabetes mellitus. Identifiers: MedGen C0011860, MeSH D003924, MONDO:0005148, OMIM 125853, HP:0005978.
Hereditary hyperinsulinism.
Leucine-induced hypoglycemia (LIH). Also called: LEUCINE-SENSITIVE HYPOGLYCEMIA OF INFANCY. Identifiers: MedGen C0271714, MONDO:0009415, OMIM 240800.
Diabetes mellitus, transient neonatal, 2 (TNDM2). Identifiers: Orphanet 99886, MedGen C1835887, MONDO:0012480, OMIM 610374. Disease mechanism: loss of function.
Diabetes mellitus, permanent neonatal 3. Also called: ABCC8-Related Permanent Neonatal Diabetes Mellitus. Identifiers: MedGen C5394303, MONDO:0030088, OMIM 618857.

Allele frequency attached by ClinVar (database versions not stated): TOPMed below 0.00001; ExAC 0.00001; gnomAD 0.00001; gnomAD exomes 0.00002.
gnomAD v4.1: 37 of 1,613,892 alleles (0.0023%); highest among the groups gnomAD compares: Non-Finnish European, 0.0025%; no homozygotes.

Submissions (8):

Labcorp Genetics (formerly Invitae), Labcorp
Classification: Pathogenic. Last evaluated: 2026-01-14. Review status: criteria provided, single submitter. Criteria: Invitae Variant Classification Sherloc (09022015). Collection method: clinical testing. Allele origin: germline.
Comment: This sequence change replaces arginine, which is basic and polar, with cysteine, which is neutral and slightly polar, at codon 526 of the ABCC8 protein (p.Arg526Cys). This variant is present in population databases (rs751279984, gnomAD 0.004%). This missense change has been observed in individual(s) with autosomal recessive congenital hyperinsulinism (PMID: 23275527, 23652837, 25584046, 27908292). In at least one individual the data is consistent with being in trans (on the opposite chromosome) from a pathogenic variant. ClinVar contains an entry for this variant (Variation ID: 553752). Invitae Evidence Modeling of protein sequence and biophysical properties (such as structural, functional, and spatial information, amino acid conservation, physicochemical variation, residue mobility, and thermodynamic stability) indicates that this missense variant is expected to disrupt ABCC8 protein function with a positive predictive value of 95%. For these reasons, this variant has been classified as Pathogenic.

Natera, Inc.
Classification: Likely pathogenic for Hereditary hyperinsulinism. Last evaluated: 2025-09-15. Review status: criteria provided, single submitter. Criteria: Natera Variant Classification Schema (03/2026). Collection method: clinical testing. Allele origin: germline.
Comment: The c.1576C>T variant in ABCC8 is a missense variant predicted to cause substitution of arginine to cysteine at amino acid 526. This variant is rare in the general population with a frequency below the threshold expected for the associated phenotype(s). This variant has been observed in one or more individuals affected with the associated recessive disease, as either homozygous or compound heterozygous with a second variant (PMID: 27908292, 23652837, 25584046, 32170320). Computational prediction algorithms indicate this variant is likely to affect gene or protein function. Given the available evidence, this variant is classified as Likely Pathogenic.

Blueprint Genetics
Classification: Pathogenic for ABCC8-related disorders. Last evaluated: 2024-04-29. Review status: criteria provided, single submitter. Criteria: ACMG Guidelines, 2015. Collection method: clinical testing. Allele origin: germline. Affected: yes. Observed: 3 variant alleles.

Baylor Genetics
Classification: Pathogenic for Type 2 diabetes mellitus. Last evaluated: 2024-01-26. Review status: criteria provided, single submitter. Criteria: ACMG Guidelines, 2015. Collection method: clinical testing. Allele origin: unknown.

Broad Center for Mendelian Genomics, Broad Institute of MIT and Harvard
Classification: Likely pathogenic for Hyperinsulinemic hypoglycemia, familial, 1. Last evaluated: 2023-08-16. Review status: criteria provided, single submitter. Criteria: ACMG Guidelines, 2015. Collection method: curation. Allele origin: germline. Inheritance: Autosomal recessive inheritance.
Comment: The p.Arg526Cys variant in ABCC8 has been previously reported in 5 individuals with hyperinsulinemic hypoglycemia (PMID: 23345197, 23652837, 25584046, 32170320, 27908292, 23275527), and has been seen in 0.004% (1/24950) of African/African American chromosomes by the Genome Aggregation Database (gnomAD; dbSNP: rs751279984). Although this variant has been seen in the general population in a heterozygous state, its frequency is low enough to be consistent with a recessive carrier frequency. This variant has also been reported in ClinVar (Variation ID: 553752) and has been interpreted as likely pathogenic by Counsyl and pathogenic by Invitae. Of the 5 affected individuals, 1 was a compound heterozygote that carried a likely pathogenic variant with unknown phase, and 3 were compound heterozygotes that carried a pathogenic/likely pathogenic variant in trans, which increases the likelihood that the p.Arg526Cys variant is pathogenic (Variation ID: 370909; PMID: 25584046, 32170320, 27908292, 23275527). In vitro functional studies provide some evidence that the p.Arg526Cys variant may slightly impact protein function (PMID: 25584046). However, these types of assays may not accurately represent biological function. Computational prediction tools and conservation analyses suggest that this variant may impact the protein, though this information is not predictive enough to determine pathogenicity. In summary, although additional studies are required to fully establish its clinical significance, this variant is likely pathogenic for autosomal recessive hyperinsulinemic hypoglycemia. ACMG/AMP Criteria applied: PM3_strong, PP3, PM2_supporting, PS3_supporting (Richards 2015).

Women's Health and Genetics/Laboratory Corporation of America, LabCorp
Classification: Pathogenic for Familial hyperinsulinism. Last evaluated: 2023-04-04. Review status: criteria provided, single submitter. Criteria: LabCorp Variant Classification Summary - May 2015. Collection method: clinical testing. Allele origin: germline.
Comment: Variant summary: ABCC8 c.1576C>T (p.Arg526Cys) results in a non-conservative amino acid change located in the ABC transporter type 1, transmembrane domain (IPR011527) of the encoded protein sequence. Five of five in-silico tools predict a damaging effect of the variant on protein function. The variant allele was found at a frequency of 1.6e-05 in 251138 control chromosomes. c.1576C>T has been reported in the literature as biallelic homozygous or compound heterozygous genotypes in multiple individuals affected with Congenital Hyperinsulinism (example, Arya_2014, Kapoor_2013, Salomon-Estebenez_2016, Mannisto_2020, Sogno-Valin_2013). These data indicate that the variant is very likely to be associated with disease. At least one publication reports experimental evidence evaluating an impact on protein function. The most pronounced variant effect results in reduced current flow under basal conditions as compared to wild-type and reduced responsiveness to diazoxide (Arya_2014). Three clinical diagnostic laboratories have submitted clinical-significance assessments for this variant to ClinVar after 2014 without evidence for independent evaluation. All laboratories classified the variant as pathogenic/likely pathogenic. Based on the evidence outlined above, the variant was classified as pathogenic.

Fulgent Genetics
Classification: Pathogenic for Type 2 diabetes mellitus; Leucine-induced hypoglycemia; Hyperinsulinemic hypoglycemia, familial, 1; Diabetes mellitus, transient neonatal, 2; Diabetes mellitus, permanent neonatal 3. Last evaluated: 2021-10-06. Review status: criteria provided, single submitter. Criteria: ACMG Guidelines, 2015. Collection method: clinical testing. Allele origin: unknown.

Counsyl
Classification: Likely pathogenic for Hyperinsulinemic hypoglycemia, familial, 1. Last evaluated: 2017-09-06. Review status: no assertion criteria provided. Collection method: clinical testing. Allele origin: unknown. Not counted in ClinVar's aggregate classification.

Literature cited by the submitters: PubMed 23275527 (cited by Labcorp Genetics (formerly Invitae), Labcorp and Counsyl); PubMed 23652837 (cited by 4 submitters); PubMed 25584046 (cited by 4 submitters); PubMed 27908292 (cited by 4 submitters); PubMed 32170320 (cited by Natera, Inc. and Women's Health and Genetics/Laboratory Corporation of America, LabCorp); PubMed 23345197 (cited by Women's Health and Genetics/Laboratory Corporation of America, LabCorp and Counsyl); PubMed 32267248 (cited by Women's Health and Genetics/Laboratory Corporation of America, LabCorp).

NM_000352.6(ABCC8):c.1576C>T (p.Arg526Cys)

Gene: ABCC8 (ATP binding cassette subfamily C member 8; minus strand). Cytogenetic location: 11p15.1.
Variant type: single nucleotide variant.
Coding change: c.1576C>T on transcript NM_000352.6 (MANE Select); coding-DNA position 1576, C replaced by T.
Protein change: p.Arg526Cys; replaces arginine 526 with cysteine.
Molecular consequence: missense variant. On other transcripts: non-coding transcript variant (1).
Genome position (GRCh38, 1-based): chr11:17,442,774, G>A on the plus strand (C>T on the coding strand, the complement: ABCC8 is on the minus strand). VCF-style: chr11-17442774-G-A. GRCh37 (hg19) VCF-style: chr11-17464321-G-A.
Other names: NM_000352.6(ABCC8):c.1576C>T; p.Arg526Cys; c.1576C>T (NM_000352.4); c.1576C>T, p.Arg526Cys (NM_001287174.3, NM_001351295.2); c.1573C>T, p.Arg525Cys (NM_001351296.2, NM_001351297.2); short protein forms R526C, R525C.
Identifiers: ClinVar variation 553752 (VCV000553752.18), dbSNP rs751279984, ClinGen allele CA5903524.